The following is an entry in ClinVar:

NM_138927.4(SON):c.2611A>G (p.Met871Val)

Gene: SON (SON DNA and RNA binding protein; plus strand). Cytogenetic location: 21q22.11.
Variant type: single nucleotide variant.
Coding change: c.2611A>G on transcript NM_138927.4 (MANE Select); coding-DNA position 2611, A replaced by G.
Protein change: p.Met871Val; replaces methionine 871 with valine.
Molecular consequence: missense variant. On other transcripts: non-coding transcript variant (1), intron variant (1).
Genome position (GRCh38, 1-based): chr21:33,551,842, A>G. VCF-style: chr21-33551842-A-G. GRCh37 (hg19) VCF-style: chr21-34924148-A-G.
Other names: c.2611A>G (NM_138927.2); c.2611A>G, p.Met871Val (NM_001291411.2, NM_001412133.1, NM_032195.3 and 2 more transcripts); c.245-5314A>G (NM_001291412.3); short protein forms M871V.
Identifiers: ClinVar variation 2048573 (VCV002048573.7), dbSNP rs147398927, ClinGen allele CA10009137.
Genomic context (GRCh38, chr21:33,551,842, plus strand): 5'-ATGGACTCCCAGATGTTAGCAACTAGCTCAATGGATTCCCAGATGTTAGCATCTGGCACT[A>G]TGGACTCTCAAATGTTAGCTTCTGGCACCATGGATGCTCAGATGTTAGCGTCTGGTACCA-3'
Protein context (NP_620305.3, residues 861-881): MDSQMLASGT[Met871Val]DSQMLASGTM

ClinVar aggregate classification (germline): Likely benign. Review status: criteria provided, multiple submitters, no conflicts (2 of 4 stars). 3 submissions from 3 submitters: Likely benign (2). 1 of the submissions does not count toward it. Last evaluated 2026-01-17.

Conditions:
Inborn genetic diseases. Identifiers: MedGen C0950123, MeSH D030342.
SON-related disorder. Also called: SON-related condition.

Allele frequency attached by ClinVar (database versions not stated): ExAC 0.00048; gnomAD 0.00059; TOPMed 0.00068; 1000 Genomes Project 30x 0.00078; ESP Exome Variant Server 0.00085; 1000 Genomes Project 0.00100.
gnomAD v4.1: 1,224 of 1,613,892 alleles (0.076%); highest among the groups gnomAD compares: Non-Finnish European, 0.092%; 2 homozygotes.

Submissions (3):

Labcorp Genetics (formerly Invitae), Labcorp
Classification: Likely benign. Last evaluated: 2026-01-17. Review status: criteria provided, single submitter. Criteria: Invitae Variant Classification Sherloc (09022015). Collection method: clinical testing. Allele origin: germline.

Ambry Genetics
Classification: Likely benign for Inborn genetic diseases. Last evaluated: 2021-08-02. Review status: criteria provided, single submitter. Criteria: Ambry Variant Classification Scheme 2023. Collection method: clinical testing. Allele origin: germline.

PreventionGenetics, part of Exact Sciences
Classification: Likely benign for SON-related condition. Last evaluated: 2021-12-15. Review status: no assertion criteria provided. Collection method: clinical testing. Allele origin: germline. Not counted in ClinVar's aggregate classification.
Comment: This variant is classified as likely benign based on ACMG/AMP sequence variant interpretation guidelines (Richards et al. 2015 PMID: 25741868, with internal and published modifications).